The following is an entry in ClinVar:

NM_000088.4(COL1A1):c.333+3A>C

Gene: COL1A1 (collagen type I alpha 1 chain; minus strand). Cytogenetic location: 17q21.33.
Variant type: single nucleotide variant.
Coding change: c.333+3A>C on transcript NM_000088.4 (MANE Select); 3 bases into the intron after coding-DNA position 333, A replaced by C.
Molecular consequence: intron variant.
Genome position (GRCh38, 1-based): chr17:50,199,553, T>G on the plus strand (A>C on the coding strand, the complement: COL1A1 is on the minus strand). VCF-style: chr17-50199553-T-G. GRCh37 (hg19) VCF-style: chr17-48276914-T-G.
Identifiers: ClinVar variation 456767 (VCV000456767.10), dbSNP rs1555575205, ClinGen allele CA658656727.

ClinVar aggregate classification (germline): Uncertain significance. Review status: criteria provided, multiple submitters, no conflicts (2 of 4 stars). 2 submissions from 2 submitters: Uncertain significance (2). Last evaluated 2025-04-17.

Conditions:
COL1A1-related disorder. Also called: COL1A1-related condition; COL1A1- related disease.
Osteogenesis imperfecta type I (OI1). Also called: OI, TYPE I; OSTEOGENESIS IMPERFECTA TARDA; OSTEOGENESIS IMPERFECTA WITH BLUE SCLERAE; Osteogenesis imperfecta type 1; Classic Non-deforming Osteogenesis Imperfecta with Blue Sclerae; Lobstein's Disease. Identifiers: Orphanet 216796, Orphanet 666, MedGen C0023931, MONDO:0008146, OMIM 166200. Disease mechanism: loss of function.

Submissions (2):

3billion
Classification: Uncertain significance for COL1A1-related disorder. Last evaluated: 2025-04-17. Review status: criteria provided, single submitter. Criteria: ACMG Guidelines, 2015. Collection method: clinical testing. Allele origin: germline. Affected: yes.

Labcorp Genetics (formerly Invitae), Labcorp
Classification: Uncertain significance for Osteogenesis imperfecta type I. Last evaluated: 2017-01-30. Review status: criteria provided, single submitter. Criteria: Invitae Variant Classification Sherloc (09022015). Collection method: clinical testing. Allele origin: germline.
Comment: This sequence change falls in intron 3 of the COL1A1 gene. It does not directly change the encoded amino acid sequence of the COL1A1 protein, but it affects a nucleotide within the consensus splice site of the intron. This variant is not present in population databases (ExAC no frequency) and has not been reported in the literature in individuals with a COL1A1-related disease. Nucleotide substitutions within the consensus splice site are relatively common causes of aberrant splicing (PMID: 17576681, 9536098). Algorithms developed to predict the effect of nucleotide changes on RNA splicing suggest that this variant may alter RNA splicing, but this prediction has not been confirmed by published transcriptional studies. A different variant affecting this nucleotide has been reported in an individual affected with osteogenesis imperfecta type I (PMID: 25963598), indicating that this nucleotide may be crucial for normal RNA splicing. In summary, this is a novel intronic change with uncertain impact on splicing. It has been classified as a Variant of Uncertain Significance.

Literature cited by the submitters: PubMed 17576681 (cited by Labcorp Genetics (formerly Invitae), Labcorp); PubMed 9536098 (cited by Labcorp Genetics (formerly Invitae), Labcorp); PubMed 25963598 (cited by Labcorp Genetics (formerly Invitae), Labcorp).